The following is an entry in ClinVar:

NM_005448.2(BMP15):c.409T>A (p.Tyr137Asn)

Gene: BMP15 (bone morphogenetic protein 15; plus strand). Cytogenetic location: Xp11.22.
Variant type: single nucleotide variant.
Coding change: c.409T>A on transcript NM_005448.2 (MANE Select); coding-DNA position 409, T replaced by A.
Protein change: p.Tyr137Asn; replaces tyrosine 137 with asparagine.
Molecular consequence: missense variant.
Genome position (GRCh38, 1-based): chrX:50,915,837, T>A. VCF-style: chrX-50915837-T-A. GRCh37 (hg19) VCF-style: chrX-50658837-T-A.
Other names: short protein forms Y137N.
Identifiers: ClinVar variation 3049277 (VCV003049277.3), dbSNP rs151186104, ClinGen allele CA10416537.

ClinVar aggregate classification (germline): Uncertain significance. Review status: criteria provided, single submitter (1 of 4 stars). 2 submissions from 2 submitters: Uncertain significance (1). 1 of the submissions does not count toward it. Last evaluated 2024-01-23.

Conditions:
BMP15-related disorder. Also called: BMP15-related condition.
Inborn genetic diseases. Identifiers: MedGen C0950123, MeSH D030342.

Allele frequency attached by ClinVar (database versions not stated): gnomAD exomes 0.00001; ExAC 0.00010; TOPMed 0.00017; gnomAD 0.00019; ESP Exome Variant Server 0.00038.
gnomAD v4.1: 37 of 1,209,607 alleles (0.0031%); highest among the groups gnomAD compares: African/African-American, 0.063%; no homozygotes.

Submissions (2):

Ambry Genetics
Classification: Uncertain significance for Inborn genetic diseases. Last evaluated: 2024-01-23. Review status: criteria provided, single submitter. Criteria: Ambry Variant Classification Scheme 2023. Collection method: clinical testing. Allele origin: germline.

PreventionGenetics, part of Exact Sciences
Classification: Likely benign for BMP15-related condition. Last evaluated: 2023-07-27. Review status: no assertion criteria provided. Collection method: clinical testing. Allele origin: germline. Not counted in ClinVar's aggregate classification.
Comment: This variant is classified as likely benign based on ACMG/AMP sequence variant interpretation guidelines (Richards et al. 2015 PMID: 25741868, with internal and published modifications).